The following is an entry in ClinVar:

NM_001378477.3(NYX):c.337G>A (p.Ala113Thr)

Gene: NYX (nyctalopin; plus strand). Cytogenetic location: Xp11.4.
Variant type: single nucleotide variant.
Coding change: c.337G>A on transcript NM_001378477.3 (MANE Select); coding-DNA position 337, G replaced by A.
Protein change: p.Ala113Thr; replaces alanine 113 with threonine.
Molecular consequence: missense variant.
Genome position (GRCh38, 1-based): chrX:41,473,805, G>A. VCF-style: chrX-41473805-G-A. GRCh37 (hg19) VCF-style: chrX-41333058-G-A.
Other names: c.337G>A, p.Ala113Thr (NM_022567.3); short protein forms A118T, A113T.
Identifiers: ClinVar variation 953769 (VCV000953769.10), dbSNP rs1470777824, ClinGen allele CA412989874.

ClinVar aggregate classification (germline): Uncertain significance. Review status: criteria provided, multiple submitters, no conflicts (2 of 4 stars). 2 submissions from 2 submitters: Uncertain significance (2). Last evaluated 2024-11-26.

Allele frequency attached by ClinVar (database versions not stated): TOPMed 0.00001.

Submissions (2):

Blueprint Genetics
Classification: Uncertain significance. Last evaluated: 2024-11-26. Review status: criteria provided, single submitter. Criteria: ACMG Guidelines, 2015. Collection method: clinical testing. Allele origin: germline.

Labcorp Genetics (formerly Invitae), Labcorp
Classification: Uncertain significance. Last evaluated: 2019-10-30. Review status: criteria provided, single submitter. Criteria: Invitae Variant Classification Sherloc (09022015). Collection method: clinical testing. Allele origin: germline.
Comment: This sequence change replaces alanine with threonine at codon 118 of the NYX protein (p.Ala118Thr). The alanine residue is highly conserved and there is a small physicochemical difference between alanine and threonine. This variant is not present in population databases (ExAC no frequency). This variant has not been reported in the literature in individuals with NYX-related conditions. Algorithms developed to predict the effect of missense changes on protein structure and function (SIFT, PolyPhen-2, Align-GVGD) all suggest that this variant is likely to be disruptive, but these predictions have not been confirmed by published functional studies and their clinical significance is uncertain. In summary, the available evidence is currently insufficient to determine the role of this variant in disease. Therefore, it has been classified as a Variant of Uncertain Significance.